The following is an entry in ClinVar:

ClinVar aggregate classification (germline): Benign/Likely benign. Review status: criteria provided, multiple submitters, no conflicts (2 of 4 stars). 4 submissions from 4 submitters: Benign (1); Likely benign (3). Last evaluated 2025-12-10.

Conditions:
Hereditary cancer-predisposing syndrome. Also called: Hereditary neoplastic syndrome; Neoplastic Syndromes, Hereditary; Tumor predisposition; Hereditary Cancer Syndrome. Identifiers: Orphanet 140162, MedGen C0027672, MeSH D009386, MONDO:0015356.
Fanconi anemia complementation group J. Also called: BRIP1-Related Fanconi Anemia. Identifiers: Orphanet 84, MedGen C1836860, MONDO:0012187, OMIM 609054.
Familial cancer of breast. Also called: BREAST CANCER, FAMILIAL; Hereditary breast cancer; hereditary breast carcinoma. Identifiers: Orphanet 227535, MedGen C0346153, MONDO:0016419, OMIM 114480. Disease mechanism: loss of function.

Submissions (4):

Labcorp Genetics (formerly Invitae), Labcorp
Classification: Likely benign for Familial cancer of breast; Fanconi anemia complementation group J. Last evaluated: 2025-12-10. Review status: criteria provided, single submitter. Criteria: Invitae Variant Classification Sherloc (09022015). Collection method: clinical testing. Allele origin: germline.

Myriad Genetics, Inc.
Classification: Benign for Familial cancer of breast. Last evaluated: 2024-08-22. Review status: criteria provided, single submitter. Criteria: Myriad Autosomal Dominant, Autosomal Recessive and X-Linked Classification Criteria (2023). Collection method: clinical testing. Allele origin: unknown.
Comment: This variant is considered benign. This variant is a silent/synonymous amino acid change and it is not expected to impact splicing.

Color Diagnostics, LLC DBA Color Health
Classification: Likely benign for Hereditary cancer-predisposing syndrome. Last evaluated: 2018-05-15. Review status: criteria provided, single submitter. Criteria: ACMG Guidelines, 2015. Collection method: clinical testing. Allele origin: germline.

Ambry Genetics
Classification: Likely benign for Hereditary cancer-predisposing syndrome. Last evaluated: 2016-12-07. Review status: criteria provided, single submitter. Criteria: Ambry Variant Classification Scheme 2023. Collection method: clinical testing. Allele origin: germline.

NM_032043.3(BRIP1):c.951T>C (p.His317=)

Gene: BRIP1 (BRCA1 interacting DNA helicase 1; minus strand). Cytogenetic location: 17q23.2.
Variant type: single nucleotide variant.
Coding change: c.951T>C on transcript NM_032043.3 (MANE Select); coding-DNA position 951, T replaced by C.
Protein change: p.His317=; no amino-acid change (histidine 317 retained).
Molecular consequence: synonymous variant.
Genome position (GRCh38, 1-based): chr17:61,801,442, A>G on the plus strand (T>C on the coding strand, the complement: BRIP1 is on the minus strand). VCF-style: chr17-61801442-A-G. GRCh37 (hg19) VCF-style: chr17-59878803-A-G.
Identifiers: ClinVar variation 483184 (VCV000483184.10), dbSNP rs1555607785, ClinGen allele CA501151980.